The following is an entry in ClinVar:

NM_001170700.3(DTHD1):c.2548G>A (p.Glu850Lys)

Gene: DTHD1 (death domain containing 1; plus strand). Cytogenetic location: 4p14.
Variant type: single nucleotide variant.
Coding change: c.2548G>A on transcript NM_001170700.3 (MANE Select); coding-DNA position 2548, G replaced by A.
Protein change: p.Glu850Lys; replaces glutamic acid 850 with lysine.
Molecular consequence: missense variant. On other transcripts: synonymous variant (1), non-coding transcript variant (2).
Genome position (GRCh38, 1-based): chr4:36,343,651, G>A. VCF-style: chr4-36343651-G-A. GRCh37 (hg19) VCF-style: chr4-36345273-G-A.
Other names: c.1678G>A, p.Glu560Lys (NM_001136536.5); c.1557G>A, p.Thr519= (NM_001378435.1); c.2173G>A (NM_001170700.1); short protein forms E560K, E850K.
Identifiers: ClinVar variation 842191 (VCV000842191.11), dbSNP rs990926125, ClinGen allele CA95814306.

ClinVar aggregate classification (germline): Uncertain significance. Review status: criteria provided, multiple submitters, no conflicts (2 of 4 stars). 3 submissions from 3 submitters: Uncertain significance (2). 1 of the submissions does not count toward it. Last evaluated 2025-10-30.

Conditions:
DTHD1-related disorder. Also called: DTHD1-related condition.

Allele frequency attached by ClinVar (database versions not stated): gnomAD 0.00001; gnomAD exomes 0.00001; TOPMed 0.00003.

Submissions (3):

Ambry Genetics
Classification: Uncertain significance. Last evaluated: 2025-10-30. Review status: criteria provided, single submitter. Criteria: Ambry Variant Classification Scheme 2023. Collection method: clinical testing. Allele origin: germline.

Labcorp Genetics (formerly Invitae), Labcorp
Classification: Uncertain significance. Last evaluated: 2024-10-29. Review status: criteria provided, single submitter. Criteria: Invitae Variant Classification Sherloc (09022015). Collection method: clinical testing. Allele origin: germline.
Comment: This sequence change replaces glutamic acid, which is acidic and polar, with lysine, which is basic and polar, at codon 560 of the DTHD1 protein (p.Glu560Lys). This variant is not present in population databases (gnomAD no frequency). This variant has not been reported in the literature in individuals affected with DTHD1-related conditions. ClinVar contains an entry for this variant (Variation ID: 842191). An algorithm developed to predict the effect of missense changes on protein structure and function (PolyPhen-2) suggests that this variant is likely to be disruptive. In summary, the available evidence is currently insufficient to determine the role of this variant in disease. Therefore, it has been classified as a Variant of Uncertain Significance.

PreventionGenetics, part of Exact Sciences
Classification: Uncertain significance for DTHD1-related condition. Last evaluated: 2024-08-20. Review status: no assertion criteria provided. Collection method: clinical testing. Allele origin: germline. Not counted in ClinVar's aggregate classification.
Comment: The DTHD1 c.1678G>A variant is predicted to result in the amino acid substitution p.Glu560Lys. To our knowledge, this variant has not been reported in the literature. This variant is reported in 0.0% of alleles in individuals of African descent in gnomAD. At this time, the clinical significance of this variant is uncertain due to the absence of conclusive functional and genetic evidence.